The following is an entry in ClinVar:

ClinVar aggregate classification (germline): Uncertain significance (1 of 4 stars; one submission).

Allele frequency attached by ClinVar (database versions not stated): gnomAD 0.00002; TOPMed below 0.00001; ExAC 0.00002.
gnomAD v4.1: 3 of 1,613,160 alleles (0.00019%); highest among the groups gnomAD compares: East Asian, 0.0067%; no homozygotes.

Submission:

GeneDx
Classification: Uncertain significance. Last evaluated: 2026-04-23. Review status: criteria provided, single submitter. Criteria: GeneDx Variant Classification Process June 2021. Collection method: clinical testing. Allele origin: germline.
Comment: In silico analysis supports that this missense variant has a deleterious effect on protein structure/function; Has not been previously published as pathogenic or benign to our knowledge

NM_017433.5(MYO3A):c.1286T>C (p.Ile429Thr)

Gene: MYO3A (myosin IIIA; plus strand). Cytogenetic location: 10p12.1.
Variant type: single nucleotide variant.
Coding change: c.1286T>C on transcript NM_017433.5 (MANE Select); coding-DNA position 1286, T replaced by C.
Protein change: p.Ile429Thr; replaces isoleucine 429 with threonine.
Molecular consequence: missense variant.
Genome position (GRCh38, 1-based): chr10:26,070,328, T>C. VCF-style: chr10-26070328-T-C. GRCh37 (hg19) VCF-style: chr10-26359257-T-C.
Other names: short protein forms I429T.
Identifiers: ClinVar variation 3252838 (VCV003252838.2), dbSNP rs775553915.